The following is an entry in ClinVar:

ClinVar aggregate classification (germline): Benign. Review status: criteria provided, multiple submitters, no conflicts (2 of 4 stars). 2 submissions from 2 submitters: Benign (2). Last evaluated 2019-04-19.

Allele frequency attached by ClinVar (database versions not stated): 1000 Genomes Project 30x 0.28279; 1000 Genomes Project 0.28734; TOPMed 0.36373; gnomAD 0.37769 and 0.38289; gnomAD exomes 0.38271 and 0.46028; ExAC 0.38748; ESP Exome Variant Server 0.39974.
gnomAD v4.1: 727,013 of 1,610,408 alleles (45%); highest among the groups gnomAD compares: Non-Finnish European, 50%; 172,788 homozygotes.

Submissions (2):

GeneDx
Classification: Benign. Last evaluated: 2019-04-19. Review status: criteria provided, single submitter. Criteria: GeneDx Variant Classification Process June 2021. Collection method: clinical testing. Allele origin: germline. Affected: yes.
Comment: This variant is associated with the following publications: (PMID: 30305369)

Breakthrough Genomics
Classification: Benign. Review status: criteria provided, single submitter. Criteria: ACMG Guidelines, 2015. Collection method: not provided. Allele origin: germline. Inheritance: Unknown mechanism. Affected: yes.

NM_052928.3(SMYD4):c.392G>T (p.Arg131Ile)

Gene: SMYD4 (SET and MYND domain containing 4; minus strand). Cytogenetic location: 17p13.3.
Variant type: single nucleotide variant.
Coding change: c.392G>T on transcript NM_052928.3 (MANE Select); coding-DNA position 392, G replaced by T.
Protein change: p.Arg131Ile; replaces arginine 131 with isoleucine.
Molecular consequence: missense variant.
Genome position (GRCh38, 1-based): chr17:1,801,002, C>A on the plus strand (G>T on the coding strand, the complement: SMYD4 is on the minus strand). VCF-style: chr17-1801002-C-A. GRCh37 (hg19) VCF-style: chr17-1704296-C-A.
Other names: short protein forms R131I.
Identifiers: ClinVar variation 1247555 (VCV001247555.3), dbSNP rs7224496, ClinGen allele CA8275597.